The following is an entry in ClinVar:

NM_001349206.2(LPIN1):c.854C>A (p.Thr285Lys)

Genes: LPIN1 (lipin 1; plus strand), LOC126806147 (CDK7 strongly-dependent group 2 enhancer GRCh37_chr2:11919054-11920253; plus strand). Cytogenetic location: 2p25.1.
Variant type: single nucleotide variant.
Coding change: c.854C>A on transcript NM_001349206.2 (MANE Select); coding-DNA position 854, C replaced by A.
Protein change: p.Thr285Lys; replaces threonine 285 with lysine.
Molecular consequence: missense variant. On other transcripts: non-coding transcript variant (1).
Genome position (GRCh38, 1-based): chr2:11,779,542, C>A. VCF-style: chr2-11779542-C-A. GRCh37 (hg19) VCF-style: chr2-11919668-C-A.
Other names: p.Thr249Lys; c.764C>A, p.Thr255Lys (NM_001261427.3); c.1001C>A, p.Thr334Lys (NM_001261428.3); c.746C>A, p.Thr249Lys (NM_001349199.2, NM_001349200.2, NM_001349201.2 and 1 more transcripts); c.851C>A, p.Thr284Lys (NM_001349202.2, NM_001349203.2); c.854C>A, p.Thr285Lys (NM_001349204.2, NM_001349205.2); c.944C>A, p.Thr315Lys (NM_001349207.2); c.893C>A, p.Thr298Lys (NM_001349208.2); short protein forms T255K, T298K, T334K, T249K, T285K, T284K, T315K.
Identifiers: ClinVar variation 893247 (VCV000893247.14), dbSNP rs141555457, ClinGen allele CA1533529.

ClinVar aggregate classification (germline): Conflicting classifications of pathogenicity. Review status: criteria provided, conflicting classifications (1 of 4 stars). 4 submissions from 4 submitters: Uncertain significance (3); Likely benign (1). Last evaluated 2025-11-25.

Conditions:
Myoglobinuria, acute recurrent, autosomal recessive. Also called: Myoglobinuria, recurrent, autosomal recessive; MYOGLOBINURIA, FAMILIAL PAROXYSMAL PARALYTIC; RHABDOMYOLYSIS, ACUTE RECURRENT. Identifiers: Orphanet 99845, MedGen C1849386, MONDO:0009992, OMIM 268200.

Allele frequency attached by ClinVar (database versions not stated): gnomAD exomes 0.00012 and 0.00055; gnomAD 0.00018 and 0.00021; TOPMed 0.00029; ExAC 0.00048; 1000 Genomes Project 0.00080; 1000 Genomes Project 30x 0.00094.
gnomAD v4.1: 198 of 1,613,978 alleles (0.012%); highest among the groups gnomAD compares: Admixed American, 0.3%; no homozygotes.

Submissions (4):

Labcorp Genetics (formerly Invitae), Labcorp
Classification: Likely benign. Last evaluated: 2025-11-25. Review status: criteria provided, single submitter. Criteria: Invitae Variant Classification Sherloc (09022015). Collection method: clinical testing. Allele origin: germline.

Mayo Clinic Laboratories, Mayo Clinic
Classification: Uncertain significance. Last evaluated: 2024-11-22. Review status: criteria provided, single submitter. Criteria: ACMG Guidelines, 2015. Collection method: clinical testing. Allele origin: germline. Observed: 3 variant alleles.
Comment: BS1

GeneDx
Classification: Uncertain significance. Last evaluated: 2019-09-25. Review status: criteria provided, single submitter. Criteria: GeneDx Variant Classification Process June 2021. Collection method: clinical testing. Allele origin: germline. Affected: yes.
Comment: In silico analysis, which includes protein predictors and evolutionary conservation, supports a deleterious effect; Has not been previously published as pathogenic or benign to our knowledge; This variant is associated with the following publications: (PMID: 32041611)

Illumina Laboratory Services, Illumina
Classification: Uncertain significance for Myoglobinuria, acute recurrent, autosomal recessive. Last evaluated: 2017-04-28. Review status: criteria provided, single submitter. Criteria: ICSL Variant Classification Criteria 13 December 2019. Collection method: clinical testing. Allele origin: germline.

Literature cited by the submitters: PubMed 31617323 (cited by Mayo Clinic Laboratories, Mayo Clinic); PubMed 32041611 (cited by Mayo Clinic Laboratories, Mayo Clinic); PubMed 35460704 (cited by Mayo Clinic Laboratories, Mayo Clinic).